The following is an entry in ClinVar:

NM_024675.4(PALB2):c.2426C>T (p.Thr809Ile)

Gene: PALB2 (partner and localizer of BRCA2; minus strand). Cytogenetic location: 16p12.2.
Variant type: single nucleotide variant.
Coding change: c.2426C>T on transcript NM_024675.4 (MANE Select); coding-DNA position 2426, C replaced by T.
Protein change: p.Thr809Ile; replaces threonine 809 with isoleucine.
Molecular consequence: missense variant.
Genome position (GRCh38, 1-based): chr16:23,629,728, G>A on the plus strand (C>T on the coding strand, the complement: PALB2 is on the minus strand). VCF-style: chr16-23629728-G-A. GRCh37 (hg19) VCF-style: chr16-23641049-G-A.
Other names: short protein forms T809I.
Identifiers: ClinVar variation 830167 (VCV000830167.2), dbSNP rs1567217318, ClinGen allele CA395124302.

ClinVar aggregate classification (germline): Uncertain significance. Review status: criteria provided, single submitter (1 of 4 stars). 2 submissions from 2 submitters: Uncertain significance (1). 1 of the submissions does not count toward it. Last evaluated 2025-05-17.

Conditions:
Familial cancer of breast. Also called: BREAST CANCER, FAMILIAL; Hereditary breast cancer; hereditary breast carcinoma. Identifiers: Orphanet 227535, MedGen C0346153, MONDO:0016419, OMIM 114480. Disease mechanism: loss of function.

Submissions (2):

Labcorp Genetics (formerly Invitae), Labcorp
Classification: Uncertain significance for Familial cancer of breast. Last evaluated: 2025-05-17. Review status: criteria provided, single submitter. Criteria: Invitae Variant Classification Sherloc (09022015). Collection method: clinical testing. Allele origin: germline.
Comment: This sequence change replaces threonine, which is neutral and polar, with isoleucine, which is neutral and non-polar, at codon 809 of the PALB2 protein (p.Thr809Ile). This variant is not present in population databases (gnomAD no frequency). This missense change has been observed in individual(s) with breast cancer (PMID: 37937776). ClinVar contains an entry for this variant (Variation ID: 830167). Invitae Evidence Modeling of protein sequence and biophysical properties (such as structural, functional, and spatial information, amino acid conservation, physicochemical variation, residue mobility, and thermodynamic stability) indicates that this missense variant is expected to disrupt PALB2 protein function with a positive predictive value of 80%. In summary, the available evidence is currently insufficient to determine the role of this variant in disease. Therefore, it has been classified as a Variant of Uncertain Significance.

Leiden Open Variation Database
Classification: Uncertain significance. Last evaluated: 2018-10-10. Review status: no assertion criteria provided. Collection method: curation. Allele origin: germline. Affected: yes. Not counted in ClinVar's aggregate classification.
Comment: Curators: Marc Tischkowitz, Arleen D. Auerbach. Submitter to LOVD: Yukihide Momozawa.

Literature cited by the submitters: PubMed 37937776 (cited by Labcorp Genetics (formerly Invitae), Labcorp); PubMed 30287823 (cited by Leiden Open Variation Database).